The following is an entry in ClinVar:

ClinVar aggregate classification (germline): Uncertain significance. Review status: criteria provided, multiple submitters, no conflicts (2 of 4 stars). 3 submissions from 3 submitters: Uncertain significance (3). Last evaluated 2019-09-06.

Conditions:
Dilated cardiomyopathy 1G (CMD1G). Identifiers: Orphanet 154, MedGen C1858763, MONDO:0011400, OMIM 604145.
Autosomal recessive limb-girdle muscular dystrophy type 2J (LGMDR10). Also called: Limb-girdle muscular dystrophy, type 2J; MUSCULAR DYSTROPHY, LIMB-GIRDLE, AUTOSOMAL RECESSIVE 10. Identifiers: Orphanet 140922, MedGen C1837342, MONDO:0012127, OMIM 608807.
Cardiovascular phenotype. Identifiers: MedGen CN230736.

Allele frequency attached by ClinVar (database versions not stated): gnomAD exomes below 0.00001; gnomAD 0.00005; TOPMed 0.00004.
gnomAD v4.1: 13 of 1,612,782 alleles (0.00081%); highest among the groups gnomAD compares: African/African-American, 0.0013%; 1 homozygote.

Submissions (3):

Revvity Omics, Revvity
Classification: Uncertain significance. Last evaluated: 2019-09-06. Review status: criteria provided, single submitter. Criteria: ACMG Guidelines, 2015. Collection method: clinical testing. Allele origin: germline.

Labcorp Genetics (formerly Invitae), Labcorp
Classification: Uncertain significance for Dilated cardiomyopathy 1G; Autosomal recessive limb-girdle muscular dystrophy type 2J. Last evaluated: 2017-07-20. Review status: criteria provided, single submitter. Criteria: Invitae Variant Classification Sherloc (09022015). Collection method: clinical testing. Allele origin: germline.

Ambry Genetics
Classification: Uncertain significance for Cardiovascular phenotype. Last evaluated: 2015-05-21. Review status: criteria provided, single submitter. Criteria: Ambry Variant Classification Scheme 2023. Collection method: clinical testing. Allele origin: germline.
Comment: The p.R24993K variant (also known as c.74978G>A), located in coding exon 185 of the TTN gene, results from a G to A substitution at nucleotide position 74978. The arginine at codon 24993 is replaced by lysine, an amino acid with highly similar properties. This variant was not reported in population based cohorts in the following databases: Database of Single Nucleotide Polymorphisms (dbSNP), NHLBI Exome Sequencing Project (ESP), and 1000 Genomes Project. In the ESP, this variant was not observed in 6074 samples (12148 alleles) with coverage at this position. This amino acid position is well conserved in available vertebrate species, except lysine is the reference amino acid in two fish species. In addition, this alteration is predicted to be tolerated by in silico analysis. Since supporting evidence is limited at this time, the clinical significance of p.R24993K remains unclear.

NM_001267550.2(TTN):c.102173G>A (p.Arg34058Lys)

Genes: TTN (titin; minus strand), TTN-AS1 (TTN antisense RNA 1; plus strand). Cytogenetic location: 2q31.2.
Variant type: single nucleotide variant.
Coding change: c.102173G>A on transcript NM_001267550.2 (MANE Select); coding-DNA position 102173, G replaced by A.
Protein change: p.Arg34058Lys; replaces arginine 34058 with lysine.
Molecular consequence: missense variant.
Genome position (GRCh38, 1-based): chr2:178,534,442, C>T on the plus strand (G>A on the coding strand, the complement: TTN is on the minus strand). VCF-style: chr2-178534442-C-T. GRCh37 (hg19) VCF-style: chr2-179399169-C-T.
Other names: c.97250G>A, p.Arg32417Lys (NM_001256850.1); c.74978G>A, p.Arg24993Lys (NM_003319.4); c.94469G>A, p.Arg31490Lys (NM_133378.4); c.75353G>A, p.Arg25118Lys (NM_133432.3); c.75554G>A, p.Arg25185Lys (NM_133437.4); short protein forms R24993K, R34058K, R25118K, R25185K, R31490K, R32417K.
Identifiers: ClinVar variation 264010 (VCV000264010.10), dbSNP rs886039007, ClinGen allele CA10587442.